The following is an entry in ClinVar:

ClinVar aggregate classification (germline): Likely benign (1 of 4 stars; one submission).

Allele frequency attached by ClinVar (database versions not stated): gnomAD exomes 0.00001; ExAC 0.00002.
gnomAD v4.1: 5 of 1,614,180 alleles (0.00031%); highest among the groups gnomAD compares: South Asian, 0.0055%; no homozygotes.

Submission:

CeGaT Center for Human Genetics Tuebingen
Classification: Likely benign. Last evaluated: 2023-01-01. Review status: criteria provided, single submitter. Criteria: CeGaT Center For Human Genetics Tuebingen Variant Classification Criteria Version 2. Collection method: clinical testing. Allele origin: germline. Affected: yes. Observed: 1 variant allele.
Comment: SZT2: BP4, BP7

NM_001365999.1(SZT2):c.4191G>A (p.Glu1397=)

Gene: SZT2 (SZT2 subunit of KICSTOR complex; plus strand). Cytogenetic location: 1p34.2.
Variant type: single nucleotide variant.
Coding change: c.4191G>A on transcript NM_001365999.1 (MANE Select); coding-DNA position 4191, G replaced by A.
Protein change: p.Glu1397=; no amino-acid change (glutamic acid 1397 retained).
Molecular consequence: synonymous variant.
Genome position (GRCh38, 1-based): chr1:43,429,727, G>A. VCF-style: chr1-43429727-G-A. GRCh37 (hg19) VCF-style: chr1-43895398-G-A.
Other names: c.4020G>A, p.Glu1340= (NM_015284.4).
Identifiers: ClinVar variation 2638752 (VCV002638752.24), dbSNP rs748461641, ClinGen allele CA809216.